The following is an entry in ClinVar:

NM_001128840.3(CACNA1D):c.5672T>C (p.Leu1891Ser)

Gene: CACNA1D (calcium voltage-gated channel subunit alpha1 D; plus strand). Cytogenetic location: 3p21.1.
Variant type: single nucleotide variant.
Coding change: c.5672T>C on transcript NM_001128840.3 (MANE Select); coding-DNA position 5672, T replaced by C.
Protein change: p.Leu1891Ser; replaces leucine 1891 with serine.
Molecular consequence: missense variant.
Genome position (GRCh38, 1-based): chr3:53,805,069, T>C. VCF-style: chr3-53805069-T-C. GRCh37 (hg19) VCF-style: chr3-53839096-T-C.
Other names: c.5732T>C, p.Leu1911Ser (NM_000720.4); c.5600T>C, p.Leu1867Ser (NM_001128839.3); short protein forms L1911S, L1867S, L1891S.
Identifiers: ClinVar variation 4721441 (VCV004721441.1).
Genomic context (GRCh38, chr3:53,805,069, plus strand): 5'-ACCCAGGCAGAAACATCGACTCTGAGAGGCCCCGAGGCTACCATCATCCCCAAGGATTCT[T>C]GGAGGACGATGACTCGCCCGTTTGCTATGATTCACGGAGATCTCCAAGGAGACGCCTACT-3'
Protein context (NP_001122312.1, residues 1881-1901): PRGYHHPQGF[Leu1891Ser]EDDDSPVCYD

ClinVar aggregate classification (germline): Uncertain significance (1 of 4 stars; one submission).

gnomAD v4.1: 1 of 1,614,188 alleles (0.000062%); highest among the groups gnomAD compares: Non-Finnish European, 0.000085%; no homozygotes.

Submission:

Labcorp Genetics (formerly Invitae), Labcorp
Classification: Uncertain significance. Last evaluated: 2025-06-22. Review status: criteria provided, single submitter. Criteria: Invitae Variant Classification Sherloc (09022015). Collection method: clinical testing. Allele origin: germline.
Comment: This sequence change replaces leucine, which is neutral and non-polar, with serine, which is neutral and polar, at codon 1911 of the CACNA1D protein (p.Leu1911Ser). This variant is not present in population databases (gnomAD no frequency). This variant has not been reported in the literature in individuals affected with CACNA1D-related conditions. An algorithm developed to predict the effect of missense changes on protein structure and function outputs the following: PolyPhen-2: "Benign". The serine amino acid residue is found in multiple mammalian species, which suggests that this missense change does not adversely affect protein function. In summary, the available evidence is currently insufficient to determine the role of this variant in disease. Therefore, it has been classified as a Variant of Uncertain Significance.